The following is an entry in ClinVar:

NM_005477.3(HCN4):c.2995C>G (p.Arg999Gly)

Gene: HCN4 (hyperpolarization activated cyclic nucleotide gated potassium channel 4; minus strand). Cytogenetic location: 15q24.1.
Variant type: single nucleotide variant.
Coding change: c.2995C>G on transcript NM_005477.3 (MANE Select); coding-DNA position 2995, C replaced by G.
Protein change: p.Arg999Gly; replaces arginine 999 with glycine.
Molecular consequence: missense variant.
Genome position (GRCh38, 1-based): chr15:73,323,098, G>C on the plus strand (C>G on the coding strand, the complement: HCN4 is on the minus strand). VCF-style: chr15-73323098-G-C. GRCh37 (hg19) VCF-style: chr15-73615439-G-C.
Other names: short protein forms R999G.
Identifiers: ClinVar variation 5022624 (VCV005022624.1).

ClinVar aggregate classification (germline): Uncertain significance (1 of 4 stars; one submission).

Conditions:
Cardiovascular phenotype. Identifiers: MedGen CN230736.

Submission:

Ambry Genetics
Classification: Uncertain significance for Cardiovascular phenotype. Last evaluated: 2026-08-29. Review status: criteria provided, single submitter. Criteria: Ambry Variant Classification Scheme 2023. Collection method: clinical testing. Allele origin: germline.
Comment: The p.R999G variant (also known as c.2995C>G), located in coding exon 8 of the HCN4 gene, results from a C to G substitution at nucleotide position 2995. The arginine at codon 999 is replaced by glycine, an amino acid with dissimilar properties. This amino acid position is conserved. In addition, the in silico prediction for this alteration is inconclusive. Based on the available evidence, the clinical significance of this variant remains unclear.